The following is an entry in ClinVar:

NM_001854.4(COL11A1):c.1413+6T>G

Gene: COL11A1 (collagen type XI alpha 1 chain; minus strand). Cytogenetic location: 1p21.1.
Variant type: single nucleotide variant.
Coding change: c.1413+6T>G on transcript NM_001854.4 (MANE Select); 6 bases into the intron after coding-DNA position 1413, T replaced by G.
Molecular consequence: intron variant.
Genome position (GRCh38, 1-based): chr1:103,017,814, A>C on the plus strand (T>G on the coding strand, the complement: COL11A1 is on the minus strand). VCF-style: chr1-103017814-A-C. GRCh37 (hg19) VCF-style: chr1-103483370-A-C.
Other names: c.1296+6T>G (NM_001190709.2); c.1449+6T>G (NM_080629.3); c.1065+6T>G (NM_080630.4).
Identifiers: ClinVar variation 1957115 (VCV001957115.7), dbSNP rs1337013861, ClinGen allele CA1185288573.

ClinVar aggregate classification (germline): Uncertain significance. Review status: criteria provided, multiple submitters, no conflicts (2 of 4 stars). 3 submissions from 3 submitters: Uncertain significance (3). Last evaluated 2024-07-18.

Allele frequency attached by ClinVar (database versions not stated): gnomAD exomes below 0.00001.
gnomAD v4.1: 2 of 1,610,680 alleles (0.00012%); highest among the groups gnomAD compares: African/African-American, 0.0013%; no homozygotes.

Submissions (3):

GeneDx
Classification: Uncertain significance. Last evaluated: 2024-07-18. Review status: criteria provided, single submitter. Criteria: GeneDx Variant Classification Process June 2021. Collection method: clinical testing. Allele origin: germline. Affected: yes.
Comment: Has not been previously published as pathogenic or benign to our knowledge; Not observed at significant frequency in large population cohorts (gnomAD); In silico analysis indicates that this variant does not alter splicing

Blueprint Genetics
Classification: Uncertain significance. Last evaluated: 2023-10-06. Review status: criteria provided, single submitter. Criteria: ACMG Guidelines, 2015. Collection method: clinical testing. Allele origin: germline.

Labcorp Genetics (formerly Invitae), Labcorp
Classification: Uncertain significance. Last evaluated: 2023-08-04. Review status: criteria provided, single submitter. Criteria: Invitae Variant Classification Sherloc (09022015). Collection method: clinical testing. Allele origin: germline.
Comment: This sequence change falls in intron 11 of the COL11A1 gene. It does not directly change the encoded amino acid sequence of the COL11A1 protein. It affects a nucleotide within the consensus splice site. This variant is not present in population databases (gnomAD no frequency). This variant has not been reported in the literature in individuals affected with COL11A1-related conditions. ClinVar contains an entry for this variant (Variation ID: 1957115). Variants that disrupt the consensus splice site are a relatively common cause of aberrant splicing (PMID: 17576681, 9536098). Algorithms developed to predict the effect of sequence changes on RNA splicing suggest that this variant is not likely to affect RNA splicing. In summary, the available evidence is currently insufficient to determine the role of this variant in disease. Therefore, it has been classified as a Variant of Uncertain Significance.

Literature cited by the submitters: PubMed 17576681 (cited by Labcorp Genetics (formerly Invitae), Labcorp); PubMed 9536098 (cited by Labcorp Genetics (formerly Invitae), Labcorp).